The following is an entry in ClinVar:

NM_001134407.3(GRIN2A):c.2851G>A (p.Gly951Arg)

Gene: GRIN2A (glutamate ionotropic receptor NMDA type subunit 2A; minus strand). Cytogenetic location: 16p13.2.
Variant type: single nucleotide variant.
Coding change: c.2851G>A on transcript NM_001134407.3 (MANE Select); coding-DNA position 2851, G replaced by A.
Protein change: p.Gly951Arg; replaces glycine 951 with arginine.
Molecular consequence: missense variant.
Genome position (GRCh38, 1-based): chr16:9,764,693, C>T on the plus strand (G>A on the coding strand, the complement: GRIN2A is on the minus strand). VCF-style: chr16-9764693-C-T. GRCh37 (hg19) VCF-style: chr16-9858550-C-T.
Other names: c.2851G>A, p.Gly951Arg (NM_000833.5, NM_001134408.2); short protein forms G951R.
Identifiers: ClinVar variation 4802915 (VCV004802915.1).

ClinVar aggregate classification (germline): Uncertain significance (1 of 4 stars; one submission).

Conditions:
Landau-Kleffner syndrome (FESD). Also called: EPILEPSY, FOCAL, WITH SPEECH DISORDER AND WITH OR WITHOUT MENTAL RETARDATION; APHASIA, ACQUIRED, WITH EPILEPSY. Identifiers: Orphanet 1945, Orphanet 725, Orphanet 98818, MedGen C0282512, MONDO:0009509, OMIM 245570.

Submission:

Labcorp Genetics (formerly Invitae), Labcorp
Classification: Uncertain significance for Landau-Kleffner syndrome. Last evaluated: 2025-06-27. Review status: criteria provided, single submitter. Criteria: Invitae Variant Classification Sherloc (09022015). Collection method: clinical testing. Allele origin: germline.
Comment: This sequence change replaces glycine, which is neutral and non-polar, with arginine, which is basic and polar, at codon 951 of the GRIN2A protein (p.Gly951Arg). This variant is not present in population databases (gnomAD no frequency). This variant has not been reported in the literature in individuals affected with GRIN2A-related conditions. Invitae Evidence Modeling of protein sequence and biophysical properties (such as structural, functional, and spatial information, amino acid conservation, physicochemical variation, residue mobility, and thermodynamic stability) indicates that this missense variant is not expected to disrupt GRIN2A protein function with a negative predictive value of 95%. In summary, the available evidence is currently insufficient to determine the role of this variant in disease. Therefore, it has been classified as a Variant of Uncertain Significance.